The following is an entry in ClinVar:

NM_004380.3(CREBBP):c.6588G>T (p.Gln2196His)

Gene: CREBBP (CREB binding lysine acetyltransferase; minus strand). Cytogenetic location: 16p13.3.
Variant type: single nucleotide variant.
Coding change: c.6588G>T on transcript NM_004380.3 (MANE Select); coding-DNA position 6588, G replaced by T.
Protein change: p.Gln2196His; replaces glutamine 2196 with histidine.
Molecular consequence: missense variant.
Genome position (GRCh38, 1-based): chr16:3,728,459, C>A on the plus strand (G>T on the coding strand, the complement: CREBBP is on the minus strand). VCF-style: chr16-3728459-C-A. GRCh37 (hg19) VCF-style: chr16-3778460-C-A.
Other names: c.6474G>T, p.Gln2158His (NM_001079846.1); short protein forms Q2158H, Q2196H.
Identifiers: ClinVar variation 2672613 (VCV002672613.23), dbSNP rs2151303001, ClinGen allele CA394552383.
Genomic context (GRCh38, chr16:3,728,459, plus strand): 5'-TTGCTGCTGCTGCTGTTGCTGCTGTTGTTGCTGCTGCTGTTGCTGCTGCTGCTGCAGCAG[C>A]TGCCTCCGTAACATTTCTCGGTACTGTGGATTCATACTCGCCATGTTGGGGTTGTGTCCT-3'
Protein context (NP_004371.2, residues 2186-2206): NPQYREMLRR[Gln2196His]LLQQQQQQQQ

ClinVar aggregate classification (germline): Uncertain significance (1 of 4 stars; one submission).

Submission:

CeGaT Center for Human Genetics Tuebingen
Classification: Uncertain significance. Last evaluated: 2023-11-01. Review status: criteria provided, single submitter. Criteria: CeGaT Center For Human Genetics Tuebingen Variant Classification Criteria Version 2. Collection method: clinical testing. Allele origin: germline. Affected: yes. Observed: 1 variant allele.
Comment: CREBBP: PM2, BP4